The following is an entry in ClinVar:

NM_016628.5(WAC):c.1438-1G>T

Gene: WAC (WW domain containing adaptor with coiled-coil; plus strand). Cytogenetic location: 10p12.1.
Variant type: single nucleotide variant.
Coding change: c.1438-1G>T on transcript NM_016628.5 (MANE Select); the canonical splice acceptor site of the intron before coding-DNA position 1438, G replaced by T.
Molecular consequence: splice acceptor variant.
Genome position (GRCh38, 1-based): chr10:28,614,566, G>T. VCF-style: chr10-28614566-G-T. GRCh37 (hg19) VCF-style: chr10-28903495-G-T.
Other names: c.1303-1G>T (NM_100264.3); c.1129-1G>T (NM_100486.4).
Identifiers: ClinVar variation 1098396 (VCV001098396.2), dbSNP rs2132852801, ClinGen allele CA376404459.

ClinVar aggregate classification (germline): Pathogenic (1 of 4 stars; one submission).

Submission:

Genetics Laboratory, UDIAT-Centre Diagnòstic, Hospital Universitari Parc Tauli
Classification: Pathogenic. Last evaluated: 2021-04-26. Review status: criteria provided, single submitter. Criteria: Parc Tauli Hospital Assertion Criteria 2021. Collection method: clinical testing. Allele origin: de novo. Inheritance: Autosomal dominant inheritance. Affected: yes. Observed: 1 heterozygote.
Comment: PVS1_very strong;PM2_supporting;PM6_moderate;PP3_supporting